The following is an entry in ClinVar:

ClinVar aggregate classification (germline): Uncertain significance (1 of 4 stars; one submission).

Conditions:
CHARGE syndrome (CHARGE). Also called: Hittner Hirsch Kreh syndrome; CHARGE ASSOCIATION--COLOBOMA, HEART ANOMALY, CHOANAL ATRESIA, RETARDATION, GENITAL AND EAR ANOMALIES; Coloboma, heart anomaly, choanal atresia, retardation, genital and ear anomalies; CHARGE association; Hall-Hittner syndrome. Identifiers: Orphanet 138, MedGen C0265354, MONDO:0008965.

Submission:

Labcorp Genetics (formerly Invitae), Labcorp
Classification: Uncertain significance for CHARGE syndrome. Last evaluated: 2026-01-13. Review status: criteria provided, single submitter. Criteria: Invitae Variant Classification Sherloc (09022015). Collection method: clinical testing. Allele origin: germline.
Comment: This sequence change replaces glutamic acid, which is acidic and polar, with aspartic acid, which is acidic and polar, at codon 664 of the CHD7 protein (p.Glu664Asp). This variant is not present in population databases (gnomAD no frequency). This variant has not been reported in the literature in individuals affected with CHD7-related conditions. Invitae Evidence Modeling of protein sequence and biophysical properties (such as structural, functional, and spatial information, amino acid conservation, physicochemical variation, residue mobility, and thermodynamic stability) indicates that this missense variant is not expected to disrupt CHD7 protein function with a negative predictive value of 95%. In summary, the available evidence is currently insufficient to determine the role of this variant in disease. Therefore, it has been classified as a Variant of Uncertain Significance.

NM_017780.4(CHD7):c.1992G>C (p.Glu664Asp)

Genes: CHD7 (chromodomain helicase DNA binding protein 7; plus strand), LOC126860403 (CDK7 strongly-dependent group 2 enhancer GRCh37_chr8:61693034-61694233; plus strand). Cytogenetic location: 8q12.2.
Variant type: single nucleotide variant.
Coding change: c.1992G>C on transcript NM_017780.4 (MANE Select); coding-DNA position 1992, G replaced by C.
Protein change: p.Glu664Asp; replaces glutamic acid 664 with aspartic acid.
Molecular consequence: missense variant. On other transcripts: intron variant (1).
Genome position (GRCh38, 1-based): chr8:60,781,326, G>C. VCF-style: chr8-60781326-G-C. GRCh37 (hg19) VCF-style: chr8-61693885-G-C.
Other names: c.1716+276G>C (NM_001316690.1); short protein forms E664D.
Identifiers: ClinVar variation 4798531 (VCV004798531.1).
Genomic context (GRCh38, chr8:60,781,326, plus strand): 5'-GAAAAGGTCAAAGGCAAAAAAAGACCCGAAGGAACCGAAAGAACCCAAGGAGAAAAAAGA[G>C]CCCAAGGAACCCAAGACCCCGAAAGCCCCTAAGATTCCCAAAGAGCCAAAGGAAAAGAAA-3'
Protein context (NP_060250.2, residues 654-674): KEPKEPKEKK[Glu664Asp]PKEPKTPKAP